The following is an entry in ClinVar:

ClinVar aggregate classification (germline): Uncertain significance (1 of 4 stars; one submission).

Conditions:
Hereditary cancer-predisposing syndrome. Also called: Hereditary Cancer Syndrome; Tumor predisposition; Hereditary neoplastic syndrome; Neoplastic Syndromes, Hereditary. Identifiers: Orphanet 140162, MedGen C0027672, MeSH D009386, MONDO:0015356.

Submission:

Ambry Genetics
Classification: Uncertain significance for Hereditary cancer-predisposing syndrome. Last evaluated: 2024-12-04. Review status: criteria provided, single submitter. Criteria: Ambry Variant Classification Scheme 2023. Collection method: clinical testing. Allele origin: germline.
Comment: The p.G1265R variant (also known as c.3793G>C), located in coding exon 8 of the MSH6 gene, results from a G to C substitution at nucleotide position 3793. The glycine at codon 1265 is replaced by arginine, an amino acid with dissimilar properties. This amino acid position is conserved. In addition, this alteration is predicted to be deleterious by in silico analysis. Based on the available evidence, the clinical significance of this variant remains unclear.

NM_000179.3(MSH6):c.3793G>C (p.Gly1265Arg)

Gene: MSH6 (mutS homolog 6; plus strand). Cytogenetic location: 2p16.3.
Variant type: single nucleotide variant.
Coding change: c.3793G>C on transcript NM_000179.3 (MANE Select); coding-DNA position 3793, G replaced by C.
Protein change: p.Gly1265Arg; replaces glycine 1265 with arginine.
Molecular consequence: missense variant. On other transcripts: non-coding transcript variant (5).
Genome position (GRCh38, 1-based): chr2:47,806,350, G>C. VCF-style: chr2-47806350-G-C. GRCh37 (hg19) VCF-style: chr2-48033489-G-C.
Other names: c.3403G>C, p.Gly1135Arg (NM_001281492.2); c.2887G>C, p.Gly963Arg (NM_001281493.2, NM_001281494.2, NM_001406811.1 and 6 more transcripts); c.3889G>C, p.Gly1297Arg (NM_001406795.1, NM_001406802.1); c.3793G>C, p.Gly1265Arg (NM_001406796.1, NM_001406800.1, NM_001406808.1 and 1 more transcripts); c.3496G>C, p.Gly1166Arg (NM_001406797.1, NM_001406801.1, NM_001406805.1 and 10 more transcripts); c.3619G>C, p.Gly1207Arg (NM_001406798.1); c.3268G>C, p.Gly1090Arg (NM_001406799.1, NM_001406806.1, NM_001406807.1); c.2929G>C, p.Gly977Arg (NM_001406803.1); and 7 more; short protein forms G1239R, G1267R, G192R, G214R, G580R, G743R, G1166R, G1209R.
Identifiers: ClinVar variation 3398972 (VCV003398972.1).